The following is an entry in ClinVar:

NM_004817.4(TJP2):c.3500G>A (p.Arg1167His)

Gene: TJP2 (tight junction protein 2; plus strand). Cytogenetic location: 9q21.11.
Variant type: single nucleotide variant.
Coding change: c.3500G>A on transcript NM_004817.4 (MANE Select); coding-DNA position 3500, G replaced by A.
Protein change: p.Arg1167His; replaces arginine 1167 with histidine.
Molecular consequence: missense variant.
Genome position (GRCh38, 1-based): chr9:69,254,301, G>A. VCF-style: chr9-69254301-G-A. GRCh37 (hg19) VCF-style: chr9-71869217-G-A.
Other names: c.2990G>A, p.Arg997His (NM_001170414.2); c.3401G>A, p.Arg1134His (NM_001170415.1); c.3593G>A, p.Arg1198His (NM_001170416.2); c.3425G>A, p.Arg1142His (NM_001369870.1); c.3431G>A, p.Arg1144His (NM_001369871.1); c.3389G>A, p.Arg1130His (NM_001369872.1); c.3176G>A, p.Arg1059His (NM_001369873.1); c.3071G>A, p.Arg1024His (NM_001369874.1); and 3 more; short protein forms R1167H, R997H, R1024H, R1144H, R1130H, R1020H, R1142H, R1059H.
Identifiers: ClinVar variation 165426 (VCV000165426.6), dbSNP rs370985421, ClinGen allele CA178199.

ClinVar aggregate classification (germline): Uncertain significance. Review status: criteria provided, multiple submitters, no conflicts (2 of 4 stars). 2 submissions from 2 submitters: Uncertain significance (2). Last evaluated 2023-11-29.

Conditions:
Inborn genetic diseases. Identifiers: MedGen C0950123, MeSH D030342.

Allele frequency attached by ClinVar (database versions not stated): TOPMed 0.00001.
gnomAD v4.1: 13 of 1,614,206 alleles (0.00081%); highest among the groups gnomAD compares: Middle Eastern, 0.016%; no homozygotes.

Submissions (2):

Ambry Genetics
Classification: Uncertain significance for Inborn genetic diseases. Last evaluated: 2023-11-29. Review status: criteria provided, single submitter. Criteria: Ambry Variant Classification Scheme 2023. Collection method: clinical testing. Allele origin: germline.

Laboratory for Molecular Medicine, Mass General Brigham Personalized Medicine
Classification: Uncertain significance. Last evaluated: 2013-10-05. Review status: criteria provided, single submitter. Criteria: LMM Criteria. Collection method: clinical testing. Allele origin: germline. Observed: 2 variant alleles.
Comment: The p.Arg997His variant in TJP2 has not been reported in individuals with hearin g loss in any other family, but has been identified in 1/736 of Hispanic chromos omes by the 1000 Genomes Project (dbSNP rs370985421). Although this variant has been seen in the general population, its frequency is not high enough to rule o ut a pathogenic role. Computational prediction tools and conservation analysis d o not provide strong support for or against an impact to the protein. It should be noted that to date, only a large duplication in TJP2 has been associated wit h autosomal dominant hearing loss in one family (Walsh 2010), therefore the impa ct of missense variants in TJP2 is not well understood. In summary, the clinica l significance of the p.Arg997His variant is uncertain.